The following is an entry in ClinVar:

NC_000004.11:g.(?_151336570)_(151358036_?)del

Gene: LRBA (LPS responsive beige-like anchor protein; minus strand). Cytogenetic location: 4q31.3.
Variant type: Deletion.
Identifiers: ClinVar variation 1513055 (VCV001513055.7).

ClinVar aggregate classification (germline): Uncertain significance (1 of 4 stars; one submission).

Conditions:
Combined immunodeficiency due to LRBA deficiency. Also called: Common variable immunodeficiency 8, with autoimmunity. Identifiers: Orphanet 445018, MedGen C3553512, MONDO:0013863, OMIM 614700.

Submission:

Labcorp Genetics (formerly Invitae), Labcorp
Classification: Uncertain significance for Combined immunodeficiency due to LRBA deficiency. Last evaluated: 2022-06-27. Review status: criteria provided, single submitter. Criteria: Invitae Variant Classification Sherloc (09022015). Collection method: clinical testing. Allele origin: germline.
Comment: In summary, the available evidence is currently insufficient to determine the role of this variant in disease. Therefore, it has been classified as a Variant of Uncertain Significance. Experimental studies and prediction algorithms are not available or were not evaluated, and the functional significance of this variant is currently unknown. This variant has not been reported in the literature in individuals affected with LRBA-related conditions. This variant is a gross deletion of the genomic region encompassing exon(s) 46-48 of the LRBA gene. This variant would be expected to be in-frame, preserving the integrity of the reading frame.